The following is an entry in ClinVar:

NM_025144.4(ALPK1):c.3464C>T (p.Thr1155Ile)

Gene: ALPK1 (alpha kinase 1; plus strand). Cytogenetic location: 4q25.
Variant type: single nucleotide variant.
Coding change: c.3464C>T on transcript NM_025144.4 (MANE Select); coding-DNA position 3464, C replaced by T.
Protein change: p.Thr1155Ile; replaces threonine 1155 with isoleucine.
Molecular consequence: missense variant.
Genome position (GRCh38, 1-based): chr4:112,439,798, C>T. VCF-style: chr4-112439798-C-T. GRCh37 (hg19) VCF-style: chr4-113360954-C-T.
Other names: c.3464C>T, p.Thr1155Ile (NM_001102406.2); c.3230C>T, p.Thr1077Ile (NM_001253884.2); short protein forms T1077I, T1155I.
Identifiers: ClinVar variation 2906347 (VCV002906347.3), dbSNP rs374067163, ClinGen allele CA103770466.
Genomic context (GRCh38, chr4:112,439,798, plus strand): 5'-TGGGAGAATTTGTAAAATTGTCAAATAACACGAAAGTGGTGAAAACAGAATACAAAGCCA[C>T]AGAATATGGCTTGGCCTATGGCCATTTTTCTTATGAGTTTTCTAATCATAGAGATGTTGT-3'
Protein context (NP_079420.3, residues 1145-1165): TKVVKTEYKA[Thr1155Ile]EYGLAYGHFS

ClinVar aggregate classification (germline): Uncertain significance (1 of 4 stars; one submission).

Allele frequency attached by ClinVar (database versions not stated): TOPMed 0.00001; gnomAD exomes 0.00001; gnomAD 0.00002.
gnomAD v4.1: 21 of 1,613,192 alleles (0.0013%); highest among the groups gnomAD compares: South Asian, 0.0099%; no homozygotes.

Submission:

Labcorp Genetics (formerly Invitae), Labcorp
Classification: Uncertain significance. Last evaluated: 2025-07-03. Review status: criteria provided, single submitter. Criteria: Invitae Variant Classification Sherloc (09022015). Collection method: clinical testing. Allele origin: germline.
Comment: This sequence change replaces threonine, which is neutral and polar, with isoleucine, which is neutral and non-polar, at codon 1155 of the ALPK1 protein (p.Thr1155Ile). This variant is present in population databases (rs374067163, gnomAD 0.007%). This variant has not been reported in the literature in individuals affected with ALPK1-related conditions. ClinVar contains an entry for this variant (Variation ID: 2906347). An algorithm developed to predict the effect of missense changes on protein structure and function (PolyPhen-2) suggests that this variant is likely to be disruptive. In summary, the available evidence is currently insufficient to determine the role of this variant in disease. Therefore, it has been classified as a Variant of Uncertain Significance.